The following is an entry in ClinVar:

NM_001854.4(COL11A1):c.2295+1G>T

Gene: COL11A1 (collagen type XI alpha 1 chain; minus strand). Cytogenetic location: 1p21.1.
Variant type: single nucleotide variant.
Coding change: c.2295+1G>T on transcript NM_001854.4 (MANE Select); the canonical splice donor site of the intron after coding-DNA position 2295, G replaced by T.
Molecular consequence: splice donor variant.
Genome position (GRCh38, 1-based): chr1:102,995,988, C>A on the plus strand (G>T on the coding strand, the complement: COL11A1 is on the minus strand). VCF-style: chr1-102995988-C-A. GRCh37 (hg19) VCF-style: chr1-103461544-C-A.
Other names: c.2178+1G>T (NM_001190709.2); c.2331+1G>T (NM_080629.3); c.1947+1G>T (NM_080630.4).
Identifiers: ClinVar variation 4741600 (VCV004741600.1).

ClinVar aggregate classification (germline): Likely pathogenic (1 of 4 stars; one submission).

Submission:

Labcorp Genetics (formerly Invitae), Labcorp
Classification: Likely pathogenic. Last evaluated: 2025-10-26. Review status: criteria provided, single submitter. Criteria: Invitae Variant Classification Sherloc (09022015). Collection method: clinical testing. Allele origin: germline.
Comment: This sequence change affects a donor splice site in intron 27 of the COL11A1 gene. It is expected to disrupt RNA splicing. Variants that disrupt the donor or acceptor splice site typically lead to a loss of protein function (PMID: 16199547), and loss-of-function variants in COL11A1 are known to be pathogenic (PMID: 20513134, 21035103, 23922384, 25240749, 32427345, 32756486). This variant is not present in population databases (gnomAD no frequency). Disruption of this splice site has been observed in individual(s) with autosomal recessive COL11A1-related conditions (PMID: 36972944). Algorithms developed to predict the effect of sequence changes on RNA splicing suggest that this variant may disrupt the consensus splice site. In summary, the currently available evidence indicates that the variant is pathogenic, but additional data are needed to prove that conclusively. Therefore, this variant has been classified as Likely Pathogenic.

Literature cited by the submitters: PubMed 16199547; PubMed 20513134; PubMed 21035103; PubMed 23922384; PubMed 25240749; PubMed 32427345; PubMed 32756486; PubMed 36972944.